The following is an entry in ClinVar:

ClinVar aggregate classification (germline): Uncertain significance (1 of 4 stars; one submission).

Conditions:
Cohen syndrome (COH1). Also called: PEPPER SYNDROME; Cutis verticis gyrata, retinitis pigmentosa, and sensorineural deafness. Identifiers: Orphanet 193, MedGen C0265223, MONDO:0008999, OMIM 216550.

Submission:

Labcorp Genetics (formerly Invitae), Labcorp
Classification: Uncertain significance for Cohen syndrome. Last evaluated: 2020-12-22. Review status: criteria provided, single submitter. Criteria: Invitae Variant Classification Sherloc (09022015). Collection method: clinical testing. Allele origin: germline.
Comment: In summary, the available evidence is currently insufficient to determine the role of this variant in disease. Therefore, it has been classified as a Variant of Uncertain Significance. Algorithms developed to predict the effect of missense changes on protein structure and function are either unavailable or do not agree on the potential impact of this missense change (SIFT: "Not Available"; PolyPhen-2: "Benign"; Align-GVGD: "Not Available"). This variant has not been reported in the literature in individuals with VPS13B-related conditions. This variant is not present in population databases (ExAC no frequency). This sequence change replaces glutamic acid with glutamine at codon 2250 of the VPS13B protein (p.Glu2250Gln). The glutamic acid residue is moderately conserved and there is a small physicochemical difference between glutamic acid and glutamine.

NM_152564.5(VPS13B):c.6673G>C (p.Glu2225Gln)

Gene: VPS13B (vacuolar protein sorting 13 homolog B; plus strand). Cytogenetic location: 8q22.2.
Variant type: single nucleotide variant.
Coding change: c.6673G>C on transcript NM_152564.5 (MANE Select); coding-DNA position 6673, G replaced by C.
Protein change: p.Glu2225Gln; replaces glutamic acid 2225 with glutamine.
Molecular consequence: missense variant.
Genome position (GRCh38, 1-based): chr8:99,720,360, G>C. VCF-style: chr8-99720360-G-C. GRCh37 (hg19) VCF-style: chr8-100732588-G-C.
Other names: c.6748G>C, p.Glu2250Gln (NM_017890.5); short protein forms E2225Q, E2250Q.
Identifiers: ClinVar variation 1399215 (VCV001399215.6), dbSNP rs1026588488, ClinGen allele CA371867550.